The following is an entry in ClinVar:

ClinVar aggregate classification (germline): Benign/Likely benign. Review status: criteria provided, multiple submitters, no conflicts (2 of 4 stars). 9 submissions from 9 submitters: Benign (7); Likely benign (2). Last evaluated 2026-01-22.

Conditions:
Microcephaly 5, primary, autosomal recessive (MCPH5). Also called: ASPM Primary Microcephaly. Identifiers: Orphanet 2512, MedGen C1837501, MONDO:0012106, OMIM 608716.

Allele frequency attached by ClinVar (database versions not stated): ExAC 0.00567; gnomAD 0.01435 and 0.01514; gnomAD exomes 0.00188 and 0.00499; 1000 Genomes Project 0.01498; ESP Exome Variant Server 0.01507; TOPMed 0.01507; 1000 Genomes Project 30x 0.01593.
gnomAD v4.1: 5,053 of 1,613,248 alleles (0.31%); highest among the groups gnomAD compares: African/African-American, 4.6%; 97 homozygotes.

Submissions (9):

Labcorp Genetics (formerly Invitae), Labcorp
Classification: Benign. Last evaluated: 2026-01-22. Review status: criteria provided, single submitter. Criteria: Invitae Variant Classification Sherloc (09022015). Collection method: clinical testing. Allele origin: germline.

Genome-Nilou Lab
Classification: Likely benign for Microcephaly 5, primary, autosomal recessive. Last evaluated: 2023-04-11. Review status: criteria provided, single submitter. Criteria: ACMG Guidelines, 2015. Collection method: clinical testing. Allele origin: germline. Affected: no.

Fulgent Genetics
Classification: Likely benign for Microcephaly 5, primary, autosomal recessive. Last evaluated: 2021-11-05. Review status: criteria provided, single submitter. Criteria: ACMG Guidelines, 2015. Collection method: clinical testing. Allele origin: unknown.

Athena Diagnostics
Classification: Benign. Last evaluated: 2019-07-08. Review status: criteria provided, single submitter. Criteria: Athena Diagnostics Criteria. Collection method: clinical testing. Allele origin: germline.

Illumina Laboratory Services, Illumina
Classification: Benign for Microcephaly 5, primary, autosomal recessive. Last evaluated: 2018-01-13. Review status: criteria provided, single submitter. Criteria: ICSL Variant Classification Criteria 13 December 2019. Collection method: clinical testing. Allele origin: germline.
Comment: This variant was observed in the ICSL laboratory as part of a predisposition screen in an ostensibly healthy population. It had not been previously curated by ICSL or reported in the Human Gene Mutation Database (HGMD: prior to June 1st, 2018), and was therefore a candidate for classification through an automated scoring system. Utilizing variant allele frequency, disease prevalence and penetrance estimates, and inheritance mode, an automated score was calculated to assess if this variant is too frequent to cause the disease. Based on the score and internal cut-off values, a variant classified as benign is not then subjected to further curation. The score for this variant resulted in a classification of benign for this disease.

Center for Pediatric Genomic Medicine, Children's Mercy Hospital and Clinics
Classification: Benign. Last evaluated: 2017-04-19. Review status: criteria provided, single submitter. Criteria: ACMG Guidelines, 2015. Collection method: clinical testing. Allele origin: germline.

GeneDx
Classification: Benign. Last evaluated: 2015-09-18. Review status: criteria provided, single submitter. Criteria: GeneDx Variant Classification (06012015). Collection method: clinical testing. Allele origin: germline. Affected: yes.
Comment: This variant is considered likely benign or benign based on one or more of the following criteria: it is a conservative change, it occurs at a poorly conserved position in the protein, it is predicted to be benign by multiple in silico algorithms, and/or has population frequency not consistent with disease.

Genetic Services Laboratory, University of Chicago
Classification: Benign. Last evaluated: 2013-02-08. Review status: criteria provided, single submitter. Criteria: ACMG Guidelines, 2007. Collection method: clinical testing. Allele origin: germline. Inheritance: Autosomal recessive inheritance.

Breakthrough Genomics
Classification: Benign. Review status: criteria provided, single submitter. Criteria: ACMG Guidelines, 2015. Collection method: not provided. Allele origin: germline. Inheritance: Autosomal recessive inheritance. Affected: yes.

NM_018136.5(ASPM):c.5821T>C (p.Cys1941Arg)

Gene: ASPM (assembly factor for spindle microtubules; minus strand). Cytogenetic location: 1q31.3.
Variant type: single nucleotide variant.
Coding change: c.5821T>C on transcript NM_018136.5 (MANE Select); coding-DNA position 5821, T replaced by C.
Protein change: p.Cys1941Arg; replaces cysteine 1941 with arginine.
Molecular consequence: missense variant. On other transcripts: intron variant (1).
Genome position (GRCh38, 1-based): chr1:197,103,430, A>G on the plus strand (T>C on the coding strand, the complement: ASPM is on the minus strand). VCF-style: chr1-197103430-A-G. GRCh37 (hg19) VCF-style: chr1-197072560-A-G.
Other names: c.4066-7266T>C (NM_001206846.2); short protein forms C1941R.
Identifiers: ClinVar variation 157841 (VCV000157841.23), dbSNP rs61249253, ClinGen allele CA171224.